The following is an entry in ClinVar:

NM_001378418.1(TCF20):c.5570del (p.Gly1857fs)

Gene: TCF20 (transcription factor 20; minus strand). Cytogenetic location: 22q13.2.
Variant type: Deletion.
Coding change: c.5570del on transcript NM_001378418.1 (MANE Select); coding-DNA position 5570, one base deleted (G; older notation c.5570delG).
Protein change: p.Gly1857fs; shifts the reading frame from glycine 1857.
Molecular consequence: frameshift variant.
Genome position (GRCh38, 1-based): chr22:42,209,736, C deleted on the plus strand (G on the coding strand, the reverse complement: TCF20 is on the minus strand); the first of 3 consecutive C bases (chr22:42,209,736-42,209,738); deleting any one gives the same sequence. VCF-style (leftmost placement, unchanged base first): chr22-42209735-AC-A. GRCh37 (hg19) VCF-style: chr22-42605741-AC-A.
Other names: c.5570del, p.Gly1857fs (NM_005650.4, NM_181492.3); short protein forms G1857fs.
Identifiers: ClinVar variation 3026696 (VCV003026696.22), dbSNP rs2147193652, ClinGen allele CA2740091987.

ClinVar aggregate classification (germline): Pathogenic (1 of 4 stars; one submission).

Submission:

CeGaT Center for Human Genetics Tuebingen
Classification: Pathogenic. Last evaluated: 2023-12-01. Review status: criteria provided, single submitter. Criteria: CeGaT Center For Human Genetics Tuebingen Variant Classification Criteria Version 2. Collection method: clinical testing. Allele origin: germline. Affected: yes. Observed: 1 variant allele.
Comment: TCF20: PVS1, PM2, PS2:Moderate